The following is an entry in ClinVar:

ClinVar aggregate classification (germline): Pathogenic (1 of 4 stars; one submission).

Conditions:
Primary pulmonary hypertension. Also called: Idiopathic pulmonary hypertension. Identifiers: MedGen C0152171.

Submission:

Labcorp Genetics (formerly Invitae), Labcorp
Classification: Pathogenic for Primary pulmonary hypertension. Last evaluated: 2022-07-21. Review status: criteria provided, single submitter. Criteria: Invitae Variant Classification Sherloc (09022015). Collection method: clinical testing. Allele origin: germline.
Comment: This variant is a gross deletion of the genomic region encompassing exon(s) 2-3 of the BMPR2 gene. This variant would be expected to be in-frame, preserving the integrity of the reading frame. A similar copy number variant has been observed in individuals with pulmonary arterial hypertension (PMID: 18503968, 21801371). This variant disrupts the p.Tyr67 amino acid residue in BMPR2. Other variant(s) that disrupt this residue have been determined to be pathogenic (PMID: 15146475, 16429395, 18356561, 20002458, 25187962). This suggests that this residue is clinically significant, and that variants that disrupt this residue are likely to be disease-causing. For these reasons, this variant has been classified as Pathogenic.

Literature cited by the submitters: PubMed 18503968; PubMed 21801371; PubMed 15146475; PubMed 16429395; PubMed 18356561; PubMed 20002458; PubMed 25187962.

NC_000002.11:g.(?_203329512)_(203332432_?)del

Gene: BMPR2 (bone morphogenetic protein receptor type 2; plus strand). Cytogenetic location: 2q33.2.
Variant type: Deletion.
Identifiers: ClinVar variation 1075069 (VCV001075069.2).